The following is an entry in ClinVar:

ClinVar aggregate classification (germline): Uncertain significance. Review status: criteria provided, multiple submitters, no conflicts (2 of 4 stars). 2 submissions from 2 submitters: Uncertain significance (2). Last evaluated 2025-08-15.

Allele frequency attached by ClinVar (database versions not stated): gnomAD exomes below 0.00001; TOPMed below 0.00001.

Submissions (2):

GeneDx
Classification: Uncertain significance. Last evaluated: 2025-08-15. Review status: criteria provided, single submitter. Criteria: GeneDx Variant Classification Process June 2021. Collection method: clinical testing. Allele origin: germline. Affected: yes.
Comment: In silico analysis suggests that this missense variant does not alter protein structure/function; Has not been previously published as pathogenic or benign to our knowledge

Ambry Genetics
Classification: Uncertain significance. Last evaluated: 2023-12-21. Review status: criteria provided, single submitter. Criteria: Ambry Variant Classification Scheme 2023. Collection method: clinical testing. Allele origin: germline.

NM_015656.2(KIF26A):c.4193G>A (p.Gly1398Glu)

Gene: KIF26A (kinesin family member 26A; plus strand). Cytogenetic location: 14q32.33.
Variant type: single nucleotide variant.
Coding change: c.4193G>A on transcript NM_015656.2 (MANE Select); coding-DNA position 4193, G replaced by A.
Protein change: p.Gly1398Glu; replaces glycine 1398 with glutamic acid.
Molecular consequence: missense variant.
Genome position (GRCh38, 1-based): chr14:104,176,981, G>A. VCF-style: chr14-104176981-G-A. GRCh37 (hg19) VCF-style: chr14-104643318-G-A.
Other names: short protein forms G1398E.
Identifiers: ClinVar variation 3114760 (VCV003114760.2), dbSNP rs1234660320, ClinGen allele CA391169783.